The following is an entry in ClinVar:

ClinVar aggregate classification (germline): Uncertain significance (1 of 4 stars; one submission).

Conditions:
Inborn genetic diseases. Identifiers: MedGen C0950123, MeSH D030342.

gnomAD v4.1: 1 of 1,614,004 alleles (0.000062%); highest among the groups gnomAD compares: Non-Finnish European, 0.000085%; no homozygotes.

Submission:

Ambry Genetics
Classification: Uncertain significance for Inborn genetic diseases. Last evaluated: 2025-04-21. Review status: criteria provided, single submitter. Criteria: Ambry Variant Classification Scheme 2023. Collection method: clinical testing. Allele origin: germline.
Comment: The p.I249T variant (also known as c.746T>C), located in coding exon 6 of the PAX5 gene, results from a T to C substitution at nucleotide position 746. The isoleucine at codon 249 is replaced by threonine, an amino acid with similar properties. This amino acid position is conserved. In addition, this alteration is predicted to be deleterious by in silico analysis. Based on the available evidence, the clinical significance of this variant remains unclear.

NM_016734.3(PAX5):c.746T>C (p.Ile249Thr)

Gene: PAX5 (paired box 5; minus strand). Cytogenetic location: 9p13.2.
Variant type: single nucleotide variant.
Coding change: c.746T>C on transcript NM_016734.3 (MANE Select); coding-DNA position 746, T replaced by C.
Protein change: p.Ile249Thr; replaces isoleucine 249 with threonine.
Molecular consequence: missense variant. On other transcripts: non-coding transcript variant (2).
Genome position (GRCh38, 1-based): chr9:36,966,583, A>G on the plus strand (T>C on the coding strand, the complement: PAX5 is on the minus strand). VCF-style: chr9-36966583-A-G. GRCh37 (hg19) VCF-style: chr9-36966580-A-G.
Other names: c.746T>C, p.Ile249Thr (NM_001280547.2, NM_001280548.2, NM_001280549.2 and 2 more transcripts); c.422T>C, p.Ile141Thr (NM_001280551.2, NM_001280556.2); c.617T>C, p.Ile206Thr (NM_001280553.2, NM_001280554.2); c.548T>C, p.Ile183Thr (NM_001280555.2); short protein forms I141T, I206T, I183T, I249T.
Identifiers: ClinVar variation 3928306 (VCV003928306.1).
Genomic context (GRCh38, chr9:36,966,583, plus strand): 5'-TGGTGGGCGTGCATCACGAGGCGTACCTGCTCGGGCTTGATGGGCTCTGTGGTGGTGAAG[A>G]TGTCTGAGTAGTGCTGCCTCTCAAACACGCGGTCCAGCACCTCCAGCTGCTGCTGTGTGA-3'
Protein context (NP_057953.1, residues 239-259): RVFERQHYSD[Ile249Thr]FTTTEPIKPE